The following is an entry in ClinVar:

NM_004655.4(AXIN2):c.1619A>C (p.His540Pro)

Gene: AXIN2 (axin 2; minus strand). Cytogenetic location: 17q24.1.
Variant type: single nucleotide variant.
Coding change: c.1619A>C on transcript NM_004655.4 (MANE Select); coding-DNA position 1619, A replaced by C.
Protein change: p.His540Pro; replaces histidine 540 with proline.
Molecular consequence: missense variant.
Genome position (GRCh38, 1-based): chr17:65,537,417, T>G on the plus strand (A>C on the coding strand, the complement: AXIN2 is on the minus strand). VCF-style: chr17-65537417-T-G. GRCh37 (hg19) VCF-style: chr17-63533535-T-G.
Other names: c.1619A>C (NM_004655.3); c.1619A>C, p.His540Pro (NM_001363813.1); short protein forms H540P.
Identifiers: ClinVar variation 1493982 (VCV001493982.8), dbSNP rs1330822418, ClinGen allele CA400677141.

ClinVar aggregate classification (germline): Uncertain significance. Review status: criteria provided, multiple submitters, no conflicts (2 of 4 stars). 2 submissions from 2 submitters: Uncertain significance (2). Last evaluated 2025-10-16.

Conditions:
Hereditary cancer-predisposing syndrome. Also called: Tumor predisposition; Hereditary neoplastic syndrome; Neoplastic Syndromes, Hereditary; Hereditary Cancer Syndrome. Identifiers: Orphanet 140162, MedGen C0027672, MeSH D009386, MONDO:0015356.
Oligodontia-cancer predisposition syndrome. Also called: TOOTH AGENESIS-COLORECTAL CANCER SYNDROME. Identifiers: Orphanet 300576, MedGen C1837750, MONDO:0012075, OMIM 608615. Disease mechanism: loss of function.

Submissions (2):

Ambry Genetics
Classification: Uncertain significance for Hereditary cancer-predisposing syndrome. Last evaluated: 2025-10-16. Review status: criteria provided, single submitter. Criteria: Ambry Variant Classification Scheme 2023. Collection method: clinical testing. Allele origin: germline.
Comment: The p.H540P variant (also known as c.1619A>C), located in coding exon 5 of the AXIN2 gene, results from an A to C substitution at nucleotide position 1619. The histidine at codon 540 is replaced by proline, an amino acid with similar properties. This amino acid position is conserved. In addition, this alteration is predicted to be tolerated by in silico analysis. Based on the available evidence, the clinical significance of this variant remains unclear.

Labcorp Genetics (formerly Invitae), Labcorp
Classification: Uncertain significance for Oligodontia-cancer predisposition syndrome. Last evaluated: 2021-09-07. Review status: criteria provided, single submitter. Criteria: Invitae Variant Classification Sherloc (09022015). Collection method: clinical testing. Allele origin: germline.
Comment: In summary, the available evidence is currently insufficient to determine the role of this variant in disease. Therefore, it has been classified as a Variant of Uncertain Significance. Algorithms developed to predict the effect of missense changes on protein structure and function (SIFT, PolyPhen-2, Align-GVGD) all suggest that this variant is likely to be tolerated. This variant has not been reported in the literature in individuals affected with AXIN2-related conditions. This variant is not present in population databases (ExAC no frequency). This sequence change replaces histidine with proline at codon 540 of the AXIN2 protein (p.His540Pro). The histidine residue is weakly conserved and there is a moderate physicochemical difference between histidine and proline.